The following is an entry in ClinVar:

NM_001042492.3(NF1):c.3258G>T (p.Gln1086His)

Gene: NF1 (neurofibromin 1; plus strand). Cytogenetic location: 17q11.2.
Variant type: single nucleotide variant.
Coding change: c.3258G>T on transcript NM_001042492.3 (MANE Select); coding-DNA position 3258, G replaced by T.
Protein change: p.Gln1086His; replaces glutamine 1086 with histidine.
Molecular consequence: missense variant.
Genome position (GRCh38, 1-based): chr17:31,232,133, G>T. VCF-style: chr17-31232133-G-T. GRCh37 (hg19) VCF-style: chr17-29559151-G-T.
Other names: c.3258G>T, p.Gln1086His (NM_000267.4); short protein forms Q1086H.
Identifiers: ClinVar variation 4860926 (VCV004860926.1).

ClinVar aggregate classification (germline): Uncertain significance (1 of 4 stars; one submission).

Conditions:
Cardiovascular phenotype. Identifiers: MedGen CN230736.
Hereditary cancer-predisposing syndrome. Also called: Neoplastic Syndromes, Hereditary; Tumor predisposition; Hereditary Cancer Syndrome; Hereditary neoplastic syndrome. Identifiers: Orphanet 140162, MedGen C0027672, MeSH D009386, MONDO:0015356.

gnomAD v4.1: 1 of 1,599,610 alleles (0.000063%); highest among the groups gnomAD compares: Non-Finnish European, 0.000085%; no homozygotes.

Submission:

Ambry Genetics
Classification: Uncertain significance for Cardiovascular phenotype; Hereditary cancer-predisposing syndrome. Last evaluated: 2026-04-22. Review status: criteria provided, single submitter. Criteria: Ambry Variant Classification Scheme 2023. Collection method: clinical testing. Allele origin: germline.
Comment: The p.Q1086H variant (also known as c.3258G>T), located in coding exon 25 of the NF1 gene, results from a G to T substitution at nucleotide position 3258. The glutamine at codon 1086 is replaced by histidine, an amino acid with highly similar properties. This amino acid position is highly conserved in available vertebrate species. In addition, this alteration is predicted to be tolerated by in silico analysis. Based on the available evidence, the clinical significance of this variant remains unclear.